The following is an entry in ClinVar:

ClinVar aggregate classification (germline): Uncertain significance (1 of 4 stars; one submission).

Submission:

Ambry Genetics
Classification: Uncertain significance. Last evaluated: 2024-10-14. Review status: criteria provided, single submitter. Criteria: Ambry Variant Classification Scheme 2023. Collection method: clinical testing. Allele origin: germline.
Comment: The p.V380F variant (also known as c.1138G>T), located in coding exon 9 of the RINT1 gene, results from a G to T substitution at nucleotide position 1138. The valine at codon 380 is replaced by phenylalanine, an amino acid with highly similar properties. This amino acid position is conserved. In addition, the in silico prediction for this alteration is inconclusive. Since supporting evidence is limited at this time, the clinical significance of this alteration remains unclear.

NM_021930.6(RINT1):c.1138G>T (p.Val380Phe)

Gene: RINT1 (RAD50 interactor 1; plus strand). Cytogenetic location: 7q22.3.
Variant type: single nucleotide variant.
Coding change: c.1138G>T on transcript NM_021930.6 (MANE Select); coding-DNA position 1138, G replaced by T.
Protein change: p.Val380Phe; replaces valine 380 with phenylalanine.
Molecular consequence: missense variant. On other transcripts: non-coding transcript variant (1).
Genome position (GRCh38, 1-based): chr7:105,550,291, G>T. VCF-style: chr7-105550291-G-T. GRCh37 (hg19) VCF-style: chr7-105190738-G-T.
Other names: c.904G>T, p.Val302Phe (NM_001346599.2); c.115G>T, p.Val39Phe (NM_001346600.2, NM_001346603.2); c.214G>T, p.Val72Phe (NM_001346601.2); short protein forms V380F, V302F, V39F, V72F.
Identifiers: ClinVar variation 1730443 (VCV001730443.3), dbSNP rs1278571160, ClinGen allele CA368808856.